The following is an entry in ClinVar:

NM_001378615.1(CC2D2A):c.907A>T (p.Asn303Tyr)

Genes: CC2D2A (coiled-coil and C2 domain containing 2A; plus strand), FBXL5 (F-box and leucine rich repeat protein 5; minus strand). Cytogenetic location: 4p15.32.
Variant type: single nucleotide variant.
Coding change: c.907A>T on transcript NM_001378615.1 (MANE Select); coding-DNA position 907, A replaced by T.
Protein change: p.Asn303Tyr; replaces asparagine 303 with tyrosine.
Molecular consequence: missense variant.
Genome position (GRCh38, 1-based): chr4:15,515,894, A>T. VCF-style: chr4-15515894-A-T. GRCh37 (hg19) VCF-style: chr4-15517517-A-T.
Other names: c.907A>T, p.Asn303Tyr (NM_001080522.2); c.760A>T, p.Asn254Tyr (NM_001378617.1); short protein forms N303Y, N254Y.
Identifiers: ClinVar variation 2133567 (VCV002133567.4), dbSNP rs1716839646, ClinGen allele CA356409549.

ClinVar aggregate classification (germline): Uncertain significance (1 of 4 stars; one submission).

Conditions:
Joubert syndrome. Also called: JOUBERT-BOLTSHAUSER SYNDROME; Familial aplasia of the vermis. Identifiers: Orphanet 475, MedGen C5979921, MONDO:0018772.
Meckel-Gruber syndrome. Also called: DYSENCEPHALIA SPLANCHNOCYSTICA; GRUBER SYNDROME; Dysencephalia splachnocystica. Identifiers: Orphanet 564, MedGen C0265215, MONDO:0018921.

Allele frequency attached by ClinVar (database versions not stated): TOPMed below 0.00001; gnomAD 0.00001.
gnomAD v4.1: 1 of 1,552,782 alleles (0.000064%); highest among the groups gnomAD compares: African/African-American, 0.0014%; no homozygotes.

Submission:

Labcorp Genetics (formerly Invitae), Labcorp
Classification: Uncertain significance for Joubert syndrome; Meckel-Gruber syndrome. Last evaluated: 2025-02-17. Review status: criteria provided, single submitter. Criteria: Invitae Variant Classification Sherloc (09022015). Collection method: clinical testing. Allele origin: germline.
Comment: This sequence change replaces asparagine, which is neutral and polar, with tyrosine, which is neutral and polar, at codon 303 of the CC2D2A protein (p.Asn303Tyr). This variant is not present in population databases (gnomAD no frequency). This variant has not been reported in the literature in individuals affected with CC2D2A-related conditions. ClinVar contains an entry for this variant (Variation ID: 2133567). Invitae Evidence Modeling of protein sequence and biophysical properties (such as structural, functional, and spatial information, amino acid conservation, physicochemical variation, residue mobility, and thermodynamic stability) has been performed for this missense variant. However, the output from this modeling did not meet the statistical confidence thresholds required to predict the impact of this variant on CC2D2A protein function. In summary, the available evidence is currently insufficient to determine the role of this variant in disease. Therefore, it has been classified as a Variant of Uncertain Significance.